The following is an entry in ClinVar:

NM_000264.5(PTCH1):c.817T>C (p.Tyr273His)

Gene: PTCH1 (patched 1; minus strand). Cytogenetic location: 9q22.32.
Variant type: single nucleotide variant.
Coding change: c.817T>C on transcript NM_000264.5 (MANE Select); coding-DNA position 817, T replaced by C.
Protein change: p.Tyr273His; replaces tyrosine 273 with histidine.
Molecular consequence: missense variant. On other transcripts: non-coding transcript variant (1).
Genome position (GRCh38, 1-based): chr9:95,480,518, A>G on the plus strand (T>C on the coding strand, the complement: PTCH1 is on the minus strand). VCF-style: chr9-95480518-A-G. GRCh37 (hg19) VCF-style: chr9-98242800-A-G.
Other names: c.364T>C, p.Tyr122His (NM_001083605.3, NM_001083606.3, NM_001083607.3 and 1 more transcripts); c.817T>C, p.Tyr273His (NM_001354918.2); c.619T>C, p.Tyr207His (NM_001083602.3); c.814T>C, p.Tyr272His (NM_001083603.3); short protein forms Y122H, Y207H, Y272H, Y273H.
Identifiers: ClinVar variation 3231060 (VCV003231060.1), dbSNP rs2118422707, ClinGen allele CA374114217.

ClinVar aggregate classification (germline): Uncertain significance (1 of 4 stars; one submission).

Conditions:
Hereditary cancer-predisposing syndrome. Also called: Neoplastic Syndromes, Hereditary; Tumor predisposition; Hereditary neoplastic syndrome; Hereditary Cancer Syndrome. Identifiers: Orphanet 140162, MedGen C0027672, MeSH D009386, MONDO:0015356.

Submission:

Ambry Genetics
Classification: Uncertain significance for Hereditary cancer-predisposing syndrome. Last evaluated: 2024-01-19. Review status: criteria provided, single submitter. Criteria: Ambry Variant Classification Scheme 2023. Collection method: clinical testing. Allele origin: germline.
Comment: The p.Y273H variant (also known as c.817T>C), located in coding exon 6 of the PTCH1 gene, results from a T to C substitution at nucleotide position 817. The tyrosine at codon 273 is replaced by histidine, an amino acid with similar properties. This amino acid position is conserved. In addition, the in silico prediction for this alteration is inconclusive. Based on the available evidence, the clinical significance of this alteration remains unclear.